The following is an entry in ClinVar:

NM_022132.5(MCCC2):c.730C>G (p.Pro244Ala)

Gene: MCCC2 (methylcrotonyl-CoA carboxylase subunit 2; plus strand). Cytogenetic location: 5q13.2.
Variant type: single nucleotide variant.
Coding change: c.730C>G on transcript NM_022132.5 (MANE Select); coding-DNA position 730, C replaced by G.
Protein change: p.Pro244Ala; replaces proline 244 with alanine.
Molecular consequence: missense variant. On other transcripts: intron variant (1).
Genome position (GRCh38, 1-based): chr5:71,626,745, C>G. VCF-style: chr5-71626745-C-G. GRCh37 (hg19) VCF-style: chr5-70922572-C-G.
Other names: c.625-5376C>G (NM_001363147.1); short protein forms P244A.
Identifiers: ClinVar variation 4848201 (VCV004848201.1).

ClinVar aggregate classification (germline): Uncertain significance (1 of 4 stars; one submission).

Submission:

Women's Health and Genetics/Laboratory Corporation of America, LabCorp
Classification: Uncertain significance. Last evaluated: 2026-02-20. Review status: criteria provided, single submitter. Criteria: LabCorp Variant Classification Summary - May 2015. Collection method: clinical testing. Allele origin: germline.
Comment: Variant summary: MCCC2 c.730C>G (p.Pro244Ala) results in a non-conservative amino acid change in the encoded protein sequence. Algorithms developed to predict the effect of missense changes on protein structure and function all suggest that this variant is likely to be disruptive. The variant was absent in 251382 control chromosomes. The available data on variant occurrences in the general population are insufficient to allow any conclusion about variant significance. c.730C>G has been observed in at least one compound heterozygous individual affected with Methylcrotonyl-CoA Carboxylase Deficiency (e.g. Li_2022). These data do not allow any conclusion about variant significance. To our knowledge, no experimental evidence demonstrating an impact on protein function has been reported. The following publication has been ascertained in the context of this evaluation (PMID: 35095998). No submitters have cited clinical-significance assessments for this variant to ClinVar. Based on the evidence outlined above, the variant was classified as uncertain significance.

Literature cited by the submitters: PubMed 35095998.